The following is an entry in ClinVar:

ClinVar aggregate classification (germline): Pathogenic (1 of 4 stars; one submission).

Submission:

Labcorp Genetics (formerly Invitae), Labcorp
Classification: Pathogenic. Last evaluated: 2024-12-04. Review status: criteria provided, single submitter. Criteria: Invitae Variant Classification Sherloc (09022015). Collection method: clinical testing. Allele origin: germline.
Comment: This sequence change affects a donor splice site in intron 7 of the EDNRB gene. While this variant is not anticipated to result in nonsense mediated decay, it likely alters RNA splicing and results in a disrupted protein product. This variant is not present in population databases (gnomAD no frequency). Disruption of this splice site has been observed in individual(s) with clinical features of Waardenburg syndrome (internal data). It has also been observed to segregate with disease in related individuals. ClinVar contains an entry for this variant (Variation ID: 1498840). Variants that disrupt the consensus splice site are a relatively common cause of aberrant splicing (PMID: 17576681, 9536098). Algorithms developed to predict the effect of sequence changes on RNA splicing suggest that this variant may disrupt the consensus splice site. For these reasons, this variant has been classified as Pathogenic.

Literature cited by the submitters: PubMed 17576681; PubMed 9536098.

NM_001122659.3(EDNRB):c.1194+2T>C

Genes: EDNRB (endothelin receptor type B; minus strand), EDNRB-AS1 (EDNRB antisense RNA 1; plus strand). Cytogenetic location: 13q22.3.
Variant type: single nucleotide variant.
Coding change: c.1194+2T>C on transcript NM_001122659.3 (MANE Select); the canonical splice donor site of the intron after coding-DNA position 1194, T replaced by C.
Molecular consequence: splice donor variant.
Genome position (GRCh38, 1-based): chr13:77,899,857, A>G on the plus strand (T>C on the coding strand, the complement: EDNRB is on the minus strand). VCF-style: chr13-77899857-A-G. GRCh37 (hg19) VCF-style: chr13-78473992-A-G.
Other names: c.1194+2T>C (NM_000115.5, NM_003991.4); c.1464+2T>C (NM_001201397.2).
Identifiers: ClinVar variation 1498840 (VCV001498840.8), dbSNP rs2137603199, ClinGen allele CA388450876.